The following is an entry in ClinVar:

ClinVar aggregate classification (germline): Uncertain significance (1 of 4 stars; one submission).

Conditions:
Familial sleep-related hypermotor epilepsy. Also called: Autosomal Dominant Sleep-Related Hypermotor (Hyperkinetic) Epilepsy. Identifiers: Orphanet 98784, MedGen C3696898, MONDO:0000030.

Allele frequency attached by ClinVar (database versions not stated): TOPMed 0.00001.
gnomAD v4.1: 10 of 1,534,986 alleles (0.00065%); highest among the groups gnomAD compares: East Asian, 0.0024%; no homozygotes.

Submission:

Labcorp Genetics (formerly Invitae), Labcorp
Classification: Uncertain significance. Last evaluated: 2019-10-13. Review status: criteria provided, single submitter. Criteria: Invitae Variant Classification Sherloc (09022015). Collection method: clinical testing. Allele origin: germline.
Comment: In summary, the available evidence is currently insufficient to determine the role of this variant in disease. Therefore, it has been classified as a Variant of Uncertain Significance. Algorithms developed to predict the effect of missense changes on protein structure and function output the following: SIFT: "Tolerated"; PolyPhen-2: "Benign"; Align-GVGD: "Class C0". The histidine amino acid residue is found in multiple mammalian species, suggesting that this missense change does not adversely affect protein function. These predictions have not been confirmed by published functional studies and their clinical significance is uncertain. This variant has not been reported in the literature in individuals with CHRNB2-related conditions. The frequency data for this variant in the population databases is considered unreliable, as metrics indicate insufficient coverage at this position in the ExAC database. This sequence change replaces arginine with histidine at codon 415 of the CHRNB2 protein (p.Arg415His). The arginine residue is moderately conserved and there is a small physicochemical difference between arginine and histidine.

NM_000748.3(CHRNB2):c.1244G>A (p.Arg415His)

Gene: CHRNB2 (cholinergic receptor nicotinic beta 2 subunit; plus strand). Cytogenetic location: 1q21.3.
Variant type: single nucleotide variant.
Coding change: c.1244G>A on transcript NM_000748.3 (MANE Select); coding-DNA position 1244, G replaced by A.
Protein change: p.Arg415His; replaces arginine 415 with histidine.
Molecular consequence: missense variant.
Genome position (GRCh38, 1-based): chr1:154,572,067, G>A. VCF-style: chr1-154572067-G-A. GRCh37 (hg19) VCF-style: chr1-154544543-G-A.
Other names: short protein forms R415H.
Identifiers: ClinVar variation 965551 (VCV000965551.9), dbSNP rs971173003, ClinGen allele CA30835133.
Genomic context (GRCh38, chr1:154,572,067, plus strand): 5'-CGGTGCAGGGGTTGGCCGGGGCCTTCGGGGCTGAGCCTGCACCAGTGGCGGGCCCCGGGC[G>A]CTCAGGGGAGCCGTGTGGCTGTGGCCTCCGGGAGGCGGTGGACGGCGTGCGCTTCATCGC-3'
Protein context (NP_000739.1, residues 405-425): AEPAPVAGPG[Arg415His]SGEPCGCGLR